The following is an entry in ClinVar:

ClinVar aggregate classification (germline): Likely benign. Review status: criteria provided, multiple submitters, no conflicts (2 of 4 stars). 3 submissions from 3 submitters: Likely benign (2). 1 of the submissions does not count toward it. Last evaluated 2025-11-24.

Conditions:
DCTN1-related disorder. Also called: DCTN1-related condition.
Inborn genetic diseases. Identifiers: MedGen C0950123, MeSH D030342.
Neuronopathy, distal hereditary motor, type 7B. Also called: Distal Hereditary Motor Neuronopathy Type 7B (dHMN7B); LOWER MOTOR NEURON DISEASE, DYNACTIN TYPE; HMN VIIB; NEURONOPATHY, DISTAL HEREDITARY MOTOR, AUTOSOMAL DOMINANT 14; NEURONOPATHY, DISTAL HEREDITARY MOTOR, HARDING TYPE VIIB; NEUROPATHY, DISTAL HEREDITARY MOTOR, HARDING TYPE VIIB. Identifiers: Orphanet 139589, MedGen C1843315, MONDO:0011879, OMIM 607641.
Amyotrophic lateral sclerosis type 1 (ALS1). Also called: AMYOTROPHIC LATERAL SCLEROSIS 1, FAMILIAL. Identifiers: Orphanet 803, MedGen C1862939, MONDO:0007103, OMIM 105400.
Perry syndrome. Also called: PARKINSONISM WITH ALVEOLAR HYPOVENTILATION AND MENTAL DEPRESSION. Identifiers: Orphanet 178509, MedGen C1868594, MONDO:0008201, OMIM 168605.

Allele frequency attached by ClinVar (database versions not stated): gnomAD 0.00003 and 0.00004; gnomAD exomes 0.00003 and 0.00015; TOPMed 0.00004; ExAC 0.00015; 1000 Genomes Project 0.00040; 1000 Genomes Project 30x 0.00062.
gnomAD v4.1: 55 of 1,614,174 alleles (0.0034%); highest among the groups gnomAD compares: East Asian, 0.11%; no homozygotes.

Submissions (3):

Labcorp Genetics (formerly Invitae), Labcorp
Classification: Likely benign for Amyotrophic lateral sclerosis type 1; Neuronopathy, distal hereditary motor, type 7B; Perry syndrome. Last evaluated: 2025-11-24. Review status: criteria provided, single submitter. Criteria: Invitae Variant Classification Sherloc (09022015). Collection method: clinical testing. Allele origin: germline.

Ambry Genetics
Classification: Likely benign for Inborn genetic diseases. Last evaluated: 2021-08-18. Review status: criteria provided, single submitter. Criteria: Ambry Variant Classification Scheme 2023. Collection method: clinical testing. Allele origin: germline.

PreventionGenetics, part of Exact Sciences
Classification: Likely benign for DCTN1-related condition. Last evaluated: 2024-06-14. Review status: no assertion criteria provided. Collection method: clinical testing. Allele origin: germline. Not counted in ClinVar's aggregate classification.
Comment: This variant is classified as likely benign based on ACMG/AMP sequence variant interpretation guidelines (Richards et al. 2015 PMID: 25741868, with internal and published modifications).

NM_004082.5(DCTN1):c.3721G>A (p.Asp1241Asn)

Gene: DCTN1 (dynactin subunit 1; minus strand). Cytogenetic location: 2p13.1.
Variant type: single nucleotide variant.
Coding change: c.3721G>A on transcript NM_004082.5 (MANE Select); coding-DNA position 3721, G replaced by A.
Protein change: p.Asp1241Asn; replaces aspartic acid 1241 with asparagine.
Molecular consequence: missense variant. On other transcripts: non-coding transcript variant (1).
Genome position (GRCh38, 1-based): chr2:74,361,615, C>T on the plus strand (G>A on the coding strand, the complement: DCTN1 is on the minus strand). VCF-style: chr2-74361615-C-T. GRCh37 (hg19) VCF-style: chr2-74588742-C-T.
Other names: c.3646G>A, p.Asp1216Asn (NM_001135040.3); c.3304G>A, p.Asp1102Asn (NM_001135041.3); c.3595G>A, p.Asp1199Asn (NM_001190836.2); c.3700G>A, p.Asp1234Asn (NM_001190837.2); c.3670G>A, p.Asp1224Asn (NM_001378991.1); c.3652G>A, p.Asp1218Asn (NM_001378992.1); c.3319G>A, p.Asp1107Asn (NM_023019.4); short protein forms D1107N, D1199N, D1216N, D1241N, D1102N, D1234N, D1218N, D1224N.
Identifiers: ClinVar variation 774034 (VCV000774034.13), dbSNP rs184429549, ClinGen allele CA1721363.